The following is an entry in ClinVar:

ClinVar aggregate classification (germline): Benign. Review status: criteria provided, multiple submitters, no conflicts (2 of 4 stars). 6 submissions from 6 submitters: Benign (6). Last evaluated 2026-02-04.

Conditions:
Osteopetrosis. Identifiers: Orphanet 2781, MedGen C0029454, MONDO:0017198, HP:0011002.

Allele frequency attached by ClinVar (database versions not stated): 1000 Genomes Project 30x 0.11508; ExAC 0.11572; gnomAD exomes 0.12833 and 0.11227; gnomAD 0.13323 and 0.13624; 1000 Genomes Project 0.11142; ESP Exome Variant Server 0.14828; TOPMed 0.13842.
gnomAD v4.1: 206,796 of 1,601,914 alleles (13%); highest among the groups gnomAD compares: African/African-American, 17%; 14,267 homozygotes.

Submissions (6):

Labcorp Genetics (formerly Invitae), Labcorp
Classification: Benign. Last evaluated: 2026-02-04. Review status: criteria provided, single submitter. Criteria: Invitae Variant Classification Sherloc (09022015). Collection method: clinical testing. Allele origin: germline.

Mayo Clinic Laboratories, Mayo Clinic
Classification: Benign. Last evaluated: 2022-09-06. Review status: criteria provided, single submitter. Criteria: ACMG Guidelines, 2015. Collection method: clinical testing. Allele origin: germline. Observed: 13 variant alleles.

GeneDx
Classification: Benign. Last evaluated: 2018-11-10. Review status: criteria provided, single submitter. Criteria: GeneDx Variant Classification Process June 2021. Collection method: clinical testing. Allele origin: germline. Affected: yes.

Illumina Laboratory Services, Illumina
Classification: Benign for Osteopetrosis. Last evaluated: 2018-01-13. Review status: criteria provided, single submitter. Criteria: ICSL Variant Classification Criteria 13 December 2019. Collection method: clinical testing. Allele origin: germline.
Comment: This variant was observed in the ICSL laboratory as part of a predisposition screen in an ostensibly healthy population. It had not been previously curated by ICSL or reported in the Human Gene Mutation Database (HGMD: prior to June 1st, 2018), and was therefore a candidate for classification through an automated scoring system. Utilizing variant allele frequency, disease prevalence and penetrance estimates, and inheritance mode, an automated score was calculated to assess if this variant is too frequent to cause the disease. Based on the score and internal cut-off values, a variant classified as benign is not then subjected to further curation. The score for this variant resulted in a classification of benign for this disease.

Breakthrough Genomics
Classification: Benign. Review status: criteria provided, single submitter. Criteria: ACMG Guidelines, 2015. Collection method: not provided. Allele origin: germline. Inheritance: Autosomal recessive inheritance. Affected: yes.

PreventionGenetics, part of Exact Sciences
Classification: Benign. Review status: criteria provided, single submitter. Criteria: ACMG Guidelines, 2015. Collection method: clinical testing. Allele origin: germline.

NM_001287.6(CLCN7):c.485-10T>C

Gene: CLCN7 (Cl-/H+ antiporter 7; minus strand). Cytogenetic location: 16p13.3.
Variant type: single nucleotide variant.
Coding change: c.485-10T>C on transcript NM_001287.6 (MANE Select); 10 bases into the intron before coding-DNA position 485, T replaced by C.
Molecular consequence: intron variant.
Genome position (GRCh38, 1-based): chr16:1,460,537, A>G on the plus strand (T>C on the coding strand, the complement: CLCN7 is on the minus strand). VCF-style: chr16-1460537-A-G. GRCh37 (hg19) VCF-style: chr16-1510538-A-G.
Other names: p.?; c.413-10T>C (NM_001114331.3).
Identifiers: ClinVar variation 257956 (VCV000257956.18), dbSNP rs35280276, ClinGen allele CA7810753.
Genomic context (GRCh38, chr16:1,460,537, plus strand): 5'-ACAGCAACAGGGAGAAGGACAGTCCGCCCTTCTCTGTGAACTTGTCGATATCTGGGGCTC[A>G]TCAAGGAGGGCTGGCTGCTTCCCCGTCATGACCACCCAGCCCAGACCTCAGCCCTGCCCC-3'